The following is an entry in ClinVar:

NM_015909.4(NBAS):c.3945T>A (p.Ser1315Arg)

Gene: NBAS (NBAS subunit of NRZ tethering complex; minus strand). Cytogenetic location: 2p24.3.
Variant type: single nucleotide variant.
Coding change: c.3945T>A on transcript NM_015909.4 (MANE Select); coding-DNA position 3945, T replaced by A.
Protein change: p.Ser1315Arg; replaces serine 1315 with arginine.
Molecular consequence: missense variant. On other transcripts: non-coding transcript variant (1).
Genome position (GRCh38, 1-based): chr2:15,353,697, A>T on the plus strand (T>A on the coding strand, the complement: NBAS is on the minus strand). VCF-style: chr2-15353697-A-T. GRCh37 (hg19) VCF-style: chr2-15493821-A-T.
Other names: short protein forms S1315R.
Identifiers: ClinVar variation 1998304 (VCV001998304.2), dbSNP rs773921162, ClinGen allele CA1535830.

ClinVar aggregate classification (germline): Uncertain significance (1 of 4 stars; one submission).

Allele frequency attached by ClinVar (database versions not stated): ExAC 0.00001.
gnomAD v4.1: 6 of 1,614,028 alleles (0.00037%); highest among the groups gnomAD compares: African/African-American, 0.0013%; no homozygotes.

Submission:

Labcorp Genetics (formerly Invitae), Labcorp
Classification: Uncertain significance. Last evaluated: 2022-05-24. Review status: criteria provided, single submitter. Criteria: Invitae Variant Classification Sherloc (09022015). Collection method: clinical testing. Allele origin: germline.
Comment: In summary, the available evidence is currently insufficient to determine the role of this variant in disease. Therefore, it has been classified as a Variant of Uncertain Significance. Algorithms developed to predict the effect of missense changes on protein structure and function (SIFT, PolyPhen-2, Align-GVGD) all suggest that this variant is likely to be disruptive. This variant has not been reported in the literature in individuals affected with NBAS-related conditions. This variant is present in population databases (rs773921162, gnomAD 0.007%). This sequence change replaces serine, which is neutral and polar, with arginine, which is basic and polar, at codon 1315 of the NBAS protein (p.Ser1315Arg).